The following is an entry in ClinVar:

ClinVar aggregate classification (germline): Uncertain significance (1 of 4 stars; one submission).

Submission:

Labcorp Genetics (formerly Invitae), Labcorp
Classification: Uncertain significance. Last evaluated: 2025-04-28. Review status: criteria provided, single submitter. Criteria: Invitae Variant Classification Sherloc (09022015). Collection method: clinical testing. Allele origin: germline.
Comment: This sequence change replaces valine, which is neutral and non-polar, with glycine, which is neutral and non-polar, at codon 1694 of the COL11A1 protein (p.Val1694Gly). This variant is not present in population databases (gnomAD no frequency). This variant has not been reported in the literature in individuals affected with COL11A1-related conditions. Invitae Evidence Modeling of protein sequence and biophysical properties (such as structural, functional, and spatial information, amino acid conservation, physicochemical variation, residue mobility, and thermodynamic stability) indicates that this missense variant is not expected to disrupt COL11A1 protein function with a negative predictive value of 80%. In summary, the available evidence is currently insufficient to determine the role of this variant in disease. Therefore, it has been classified as a Variant of Uncertain Significance.

NM_001854.4(COL11A1):c.5081T>G (p.Val1694Gly)

Genes: COL11A1 (collagen type XI alpha 1 chain; minus strand), LOC126805814 (P300/CBP strongly-dependent group 1 enhancer GRCh37_chr1:103344928-103346127; plus strand). Cytogenetic location: 1p21.1.
Variant type: single nucleotide variant.
Coding change: c.5081T>G on transcript NM_001854.4 (MANE Select); coding-DNA position 5081, T replaced by G.
Protein change: p.Val1694Gly; replaces valine 1694 with glycine.
Molecular consequence: missense variant. On other transcripts: non-coding transcript variant (1).
Genome position (GRCh38, 1-based): chr1:102,879,876, A>C on the plus strand (T>G on the coding strand, the complement: COL11A1 is on the minus strand). VCF-style: chr1-102879876-A-C. GRCh37 (hg19) VCF-style: chr1-103345432-A-C.
Other names: c.4964T>G, p.Val1655Gly (NM_001190709.2); c.5117T>G, p.Val1706Gly (NM_080629.3); c.4733T>G, p.Val1578Gly (NM_080630.4); short protein forms V1706G, V1578G, V1655G, V1694G.
Identifiers: ClinVar variation 4740426 (VCV004740426.1).